The following is an entry in ClinVar:

NM_001354604.2(MITF):c.607A>G (p.Asn203Asp)

Gene: MITF (melanocyte inducing transcription factor; plus strand). Cytogenetic location: 3p13.
Variant type: single nucleotide variant.
Coding change: c.607A>G on transcript NM_001354604.2 (MANE Select); coding-DNA position 607, A replaced by G.
Protein change: p.Asn203Asp; replaces asparagine 203 with aspartic acid.
Molecular consequence: missense variant.
Genome position (GRCh38, 1-based): chr3:69,939,122, A>G. VCF-style: chr3-69939122-A-G. GRCh37 (hg19) VCF-style: chr3-69988273-A-G.
Other names: c.286A>G, p.Asn96Asp (NM_000248.4, NM_198158.3); c.451A>G, p.Asn151Asp (NM_001184967.2, NM_001354608.2); c.604A>G, p.Asn202Asp (NM_001354605.2, NM_001354606.2, NM_006722.3); c.556A>G, p.Asn186Asp (NM_001354607.2); c.607A>G, p.Asn203Asp (NM_198159.3); c.559A>G, p.Asn187Asp (NM_198177.3); c.118A>G, p.Asn40Asp (NM_198178.3); short protein forms N40D, N186D, N202D, N151D, N187D, N203D, N96D.
Identifiers: ClinVar variation 2943987 (VCV002943987.3), dbSNP rs2471591208, ClinGen allele CA353560874.

ClinVar aggregate classification (germline): Uncertain significance (1 of 4 stars; one submission).

Conditions:
Melanoma, cutaneous malignant, susceptibility to, 8. Also called: Cutaneous malignant melanoma 8; MELANOMA AND RENAL CELL CARCINOMA, SUSCEPTIBILITY TO. Identifiers: Orphanet 293822, MedGen C3152204, MONDO:0013759, OMIM 614456.
Tietz syndrome (TADS). Also called: ALBINISM-DEAFNESS OF TIETZ; HYPOPIGMENTATION/DEAFNESS OF TIETZ; TIETZ ALBINISM-DEAFNESS SYNDROME. Identifiers: Orphanet 42665, MedGen C0391816, MONDO:0007077, OMIM 103500.
Waardenburg syndrome type 2A (WS2A). Also called: WAARDENBURG SYNDROME WITHOUT DYSTOPIA CANTHORUM. Identifiers: Orphanet 3440, MedGen C1860339, MONDO:0008671, OMIM 193510.

Submission:

Labcorp Genetics (formerly Invitae), Labcorp
Classification: Uncertain significance for Melanoma, cutaneous malignant, susceptibility to, 8; Waardenburg syndrome type 2A; Tietz syndrome. Last evaluated: 2023-02-05. Review status: criteria provided, single submitter. Criteria: Invitae Variant Classification Sherloc (09022015). Collection method: clinical testing. Allele origin: germline.
Comment: This sequence change replaces asparagine, which is neutral and polar, with aspartic acid, which is acidic and polar, at codon 96 of the MITF protein (p.Asn96Asp). This variant is not present in population databases (gnomAD no frequency). This variant has not been reported in the literature in individuals affected with MITF-related conditions. Algorithms developed to predict the effect of missense changes on protein structure and function (SIFT, PolyPhen-2, Align-GVGD) all suggest that this variant is likely to be tolerated. In summary, the available evidence is currently insufficient to determine the role of this variant in disease. Therefore, it has been classified as a Variant of Uncertain Significance.